The following is an entry in ClinVar:

NM_032043.3(BRIP1):c.2321A>G (p.Asp774Gly)

Gene: BRIP1 (BRCA1 interacting DNA helicase 1; minus strand). Cytogenetic location: 17q23.2.
Variant type: single nucleotide variant.
Coding change: c.2321A>G on transcript NM_032043.3 (MANE Select); coding-DNA position 2321, A replaced by G.
Protein change: p.Asp774Gly; replaces aspartic acid 774 with glycine.
Molecular consequence: missense variant.
Genome position (GRCh38, 1-based): chr17:61,743,071, T>C on the plus strand (A>G on the coding strand, the complement: BRIP1 is on the minus strand). VCF-style: chr17-61743071-T-C. GRCh37 (hg19) VCF-style: chr17-59820432-T-C.
Other names: short protein forms D774G.
Identifiers: ClinVar variation 489826 (VCV000489826.12), dbSNP rs992780498, ClinGen allele CA292268913.

ClinVar aggregate classification (germline): Uncertain significance. Review status: criteria provided, multiple submitters, no conflicts (2 of 4 stars). 3 submissions from 3 submitters: Uncertain significance (3). Last evaluated 2025-12-08.

Conditions:
Fanconi anemia complementation group J. Also called: BRIP1-Related Fanconi Anemia. Identifiers: Orphanet 84, MedGen C1836860, MONDO:0012187, OMIM 609054.
Familial cancer of breast. Also called: BREAST CANCER, FAMILIAL; hereditary breast carcinoma; Hereditary breast cancer. Identifiers: Orphanet 227535, MedGen C0346153, MONDO:0016419, OMIM 114480. Disease mechanism: loss of function.
Hereditary cancer-predisposing syndrome. Also called: Tumor predisposition; Neoplastic Syndromes, Hereditary; Hereditary Cancer Syndrome; Hereditary neoplastic syndrome. Identifiers: Orphanet 140162, MedGen C0027672, MeSH D009386, MONDO:0015356.

Allele frequency attached by ClinVar (database versions not stated): gnomAD exomes below 0.00001.
gnomAD v4.1: 2 of 1,613,978 alleles (0.00012%); highest among the groups gnomAD compares: Admixed American, 0.0017%; no homozygotes.

Submissions (3):

Ambry Genetics
Classification: Uncertain significance for Hereditary cancer-predisposing syndrome. Last evaluated: 2025-12-08. Review status: criteria provided, single submitter. Criteria: Ambry Variant Classification Scheme 2023. Collection method: clinical testing. Allele origin: germline.
Comment: The p.D774G variant (also known as c.2321A>G), located in coding exon 15 of the BRIP1 gene, results from an A to G substitution at nucleotide position 2321. The aspartic acid at codon 774 is replaced by glycine, an amino acid with similar properties. This amino acid position is well conserved in available vertebrate species. In addition, the in silico prediction for this alteration is inconclusive. Based on the available evidence, the clinical significance of this variant remains unclear.

Labcorp Genetics (formerly Invitae), Labcorp
Classification: Uncertain significance for Familial cancer of breast; Fanconi anemia complementation group J. Last evaluated: 2024-10-15. Review status: criteria provided, single submitter. Criteria: Invitae Variant Classification Sherloc (09022015). Collection method: clinical testing. Allele origin: germline.
Comment: This sequence change replaces aspartic acid, which is acidic and polar, with glycine, which is neutral and non-polar, at codon 774 of the BRIP1 protein (p.Asp774Gly). This variant is present in population databases (no rsID available, gnomAD 0.003%). This variant has not been reported in the literature in individuals affected with BRIP1-related conditions. ClinVar contains an entry for this variant (Variation ID: 489826). Invitae Evidence Modeling of protein sequence and biophysical properties (such as structural, functional, and spatial information, amino acid conservation, physicochemical variation, residue mobility, and thermodynamic stability) has been performed for this missense variant. However, the output from this modeling did not meet the statistical confidence thresholds required to predict the impact of this variant on BRIP1 protein function. In summary, the available evidence is currently insufficient to determine the role of this variant in disease. Therefore, it has been classified as a Variant of Uncertain Significance.

Color Diagnostics, LLC DBA Color Health
Classification: Uncertain significance for Hereditary cancer-predisposing syndrome. Last evaluated: 2023-12-05. Review status: criteria provided, single submitter. Criteria: ACMG Guidelines, 2015. Collection method: clinical testing. Allele origin: germline.
Comment: This missense variant replaces aspartic acid with glycine at codon 774 of the BRIP1 protein. Computational prediction suggests that this variant may have deleterious impact on protein structure and function (internally defined REVEL score threshold >= 0.7, PMID: 27666373). To our knowledge, functional studies have not been reported for this variant. This variant has not been reported in individuals affected with BRIP1-related disorders in the literature. This variant has been identified in 1/251302 chromosomes in the general population by the Genome Aggregation Database (gnomAD). The available evidence is insufficient to determine the role of this variant in disease conclusively. Therefore, this variant is classified as a Variant of Uncertain Significance.